The following is an entry in ClinVar:

NM_032790.4(ORAI1):c.874delC (p.His292Thrfs)

Gene: ORAI1 (ORAI calcium release-activated calcium modulator 1; plus strand). Cytogenetic location: 12q24.31.
Variant type: Deletion.
Coding change: c.874delC on transcript NM_032790.4 (MANE Select); coding-DNA position 874, one base deleted (C).
Protein change: p.His292Thrfs; shifts the reading frame from histidine 292.
Genome position (GRCh38, 1-based): chr12:121,641,611, C deleted; the last of 2 consecutive C bases (chr12:121,641,610-121,641,611); deleting either gives the same sequence. VCF-style (leftmost placement, unchanged base first): chr12-121641609-AC-A. GRCh37 (hg19) VCF-style: chr12-122079515-AC-A.
Other names: short protein forms H292fs.
Identifiers: ClinVar variation 2130432 (VCV002130432.4), dbSNP rs2503544866, ClinGen allele CA2580085920.
Genomic context (GRCh38, chr12:121,641,609, plus strand): 5'-AGGAGCTCAACGAGCTGGCGGAGTTTGCCCGCTTACAGGACCAGCTGGACCACAGAGGGG[AC>A]CACCCCCTGACGCCCGGCAGCCACTATGCCTAGGCCCATGTGGTCTGGGCCCTTCCAGTG-3'

ClinVar aggregate classification (germline): Uncertain significance (1 of 4 stars; one submission).

Conditions:
Combined immunodeficiency due to ORAI1 deficiency. Also called: IMMUNODEFICIENCY 9. Identifiers: Orphanet 169090, Orphanet 317428, MedGen C2748568, MONDO:0013007, OMIM 612782.
Myopathy, tubular aggregate, 2 (TAM2). Identifiers: MedGen C4014557, MONDO:0014383, OMIM 615883.

Submission:

Labcorp Genetics (formerly Invitae), Labcorp
Classification: Uncertain significance for Myopathy, tubular aggregate, 2; Combined immunodeficiency due to ORAI1 deficiency. Last evaluated: 2022-04-25. Review status: criteria provided, single submitter. Criteria: Invitae Variant Classification Sherloc (09022015). Collection method: clinical testing. Allele origin: germline.
Comment: This variant has not been reported in the literature in individuals affected with ORAI1-related conditions. This variant is not present in population databases (gnomAD no frequency). In summary, the available evidence is currently insufficient to determine the role of this variant in disease. Therefore, it has been classified as a Variant of Uncertain Significance. Experimental studies and prediction algorithms are not available or were not evaluated, and the functional significance of this variant is currently unknown. This sequence change creates a premature translational stop signal (p.His292Thrfs*3) in the ORAI1 gene. While this is not anticipated to result in nonsense mediated decay, it is expected to disrupt the last 10 amino acid(s) of the ORAI1 protein.